The following is an entry in ClinVar:

ClinVar aggregate classification (germline): Benign. Review status: criteria provided, multiple submitters, no conflicts (2 of 4 stars). 4 submissions from 4 submitters: Benign (3). 1 of the submissions does not count toward it. Last evaluated 2024-07-15.

Allele frequency attached by ClinVar (database versions not stated): gnomAD 0.22215 and 0.22153; 1000 Genomes Project 0.30931; ESP Exome Variant Server 0.21067; TOPMed 0.23272; 1000 Genomes Project 30x 0.30840; gnomAD exomes 0.18480 and 0.13113; ExAC 0.18663.
gnomAD v4.1: 226,838 of 1,613,750 alleles (14%); highest among the groups gnomAD compares: East Asian, 45%; 23,201 homozygotes.

Submissions (4):

Unidad de Genómica Garrahan, Hospital de Pediatría Garrahan
Classification: Benign. Last evaluated: 2024-07-15. Review status: criteria provided, single submitter. Criteria: ACMG Guidelines, 2015. Collection method: clinical testing. Allele origin: germline. Affected: no. Observed: 24 variant alleles.
Comment: This variant is classified as Benign based on local population frequency. This variant was detected in 26% of patients studied in a panel designed for Epileptic and Developmental Encephalopathy and Progressive Myoclonus Epilepsy. Number of patients: 24. Only high quality variants are reported.

GeneDx
Classification: Benign. Last evaluated: 2018-06-18. Review status: criteria provided, single submitter. Criteria: GeneDx Variant Classification (06012015). Collection method: clinical testing. Allele origin: germline. Affected: yes.
Comment: This variant is considered likely benign or benign based on one or more of the following criteria: it is a conservative change, it occurs at a poorly conserved position in the protein, it is predicted to be benign by multiple in silico algorithms, and/or has population frequency not consistent with disease.

Breakthrough Genomics
Classification: Benign. Review status: criteria provided, single submitter. Criteria: ACMG Guidelines, 2015. Collection method: not provided. Allele origin: germline. Inheritance: Autosomal dominant inheritance. Affected: yes.

Genetic Services Laboratory, University of Chicago
Classification: Likely benign. Review status: no assertion criteria provided. Collection method: clinical testing. Allele origin: germline. Inheritance: Autosomal dominant inheritance. Not counted in ClinVar's aggregate classification.
Comment: Likely benign based on allele frequency in 1000 Genomes Project or ESP global frequency and its presence in a patient with a rare or unrelated disease phenotype. NOT Sanger confirmed

NM_001130438.3(SPTAN1):c.5479-41A>C

Gene: SPTAN1 (spectrin alpha, non-erythrocytic 1; plus strand). Cytogenetic location: 9q34.11.
Variant type: single nucleotide variant.
Coding change: c.5479-41A>C on transcript NM_001130438.3 (MANE Select); 41 bases into the intron before coding-DNA position 5479, A replaced by C.
Molecular consequence: intron variant.
Genome position (GRCh38, 1-based): chr9:128,617,946, A>C. VCF-style: chr9-128617946-A-C. GRCh37 (hg19) VCF-style: chr9-131380225-A-C.
Other names: c.5479-41A>C (NM_001363759.2); c.5464-41A>C (NM_003127.4); c.5419-41A>C (NM_001363765.2); c.5404-41A>C (NM_001195532.2).
Identifiers: ClinVar variation 160018 (VCV000160018.9), dbSNP rs7864187, ClinGen allele CA173581.
Genomic context (GRCh38, chr9:128,617,946, plus strand): 5'-GAGAAGTCCCAAACTTGATGTTGAGGCCTTTTCCTGGGAGCTTCGAGACAGAAGCACCAG[A>C]AGAGCTACCTGCTGTTAACCTCCTCGTCCTTGCCTGTCAGGGTGTCCTGGACACTGGCAA-3'